The following is an entry in ClinVar:

ClinVar aggregate classification (germline): Uncertain significance (1 of 4 stars; one submission).

Conditions:
Cone-rod dystrophy 2 (CORD2). Also called: CONE-ROD RETINAL DYSTROPHY; Cone-rod retinal dystrophy 2. Identifiers: Orphanet 1872, MedGen C3489532, MONDO:0007362, OMIM 120970.
Leber congenital amaurosis 7 (LCA7). Identifiers: Orphanet 65, MedGen C3151192, MONDO:0013449, OMIM 613829.

Allele frequency attached by ClinVar (database versions not stated): gnomAD 0.00001; TOPMed 0.00001.
gnomAD v4.1: 2 of 1,613,780 alleles (0.00012%); highest among the groups gnomAD compares: African/African-American, 0.0027%; no homozygotes.

Submission:

Labcorp Genetics (formerly Invitae), Labcorp
Classification: Uncertain significance for Cone-rod dystrophy 2; Leber congenital amaurosis 7. Last evaluated: 2022-04-13. Review status: criteria provided, single submitter. Criteria: Invitae Variant Classification Sherloc (09022015). Collection method: clinical testing. Allele origin: germline.
Comment: In summary, the available evidence is currently insufficient to determine the role of this variant in disease. Therefore, it has been classified as a Variant of Uncertain Significance. Algorithms developed to predict the effect of missense changes on protein structure and function are either unavailable or do not agree on the potential impact of this missense change (SIFT: "Deleterious"; PolyPhen-2: "Benign"; Align-GVGD: "Class C65"). ClinVar contains an entry for this variant (Variation ID: 1051454). This variant has not been reported in the literature in individuals affected with CRX-related conditions. This variant is not present in population databases (gnomAD no frequency). This sequence change replaces proline, which is neutral and non-polar, with serine, which is neutral and polar, at codon 147 of the CRX protein (p.Pro147Ser).

NM_000554.6(CRX):c.439C>T (p.Pro147Ser)

Gene: CRX (cone-rod homeobox; plus strand). Cytogenetic location: 19q13.33.
Variant type: single nucleotide variant.
Coding change: c.439C>T on transcript NM_000554.6 (MANE Select); coding-DNA position 439, C replaced by T.
Protein change: p.Pro147Ser; replaces proline 147 with serine.
Molecular consequence: missense variant.
Genome position (GRCh38, 1-based): chr19:47,839,506, C>T. VCF-style: chr19-47839506-C-T. GRCh37 (hg19) VCF-style: chr19-48342763-C-T.
Other names: short protein forms P147S.
Identifiers: ClinVar variation 1051454 (VCV001051454.10), dbSNP rs1173779531, ClinGen allele CA406630669.